The following is an entry in ClinVar:

NM_005629.4(SLC6A8):c.1819C>T (p.Arg607Ter)

Gene: SLC6A8 (solute carrier family 6 member 8; plus strand). Cytogenetic location: Xq28.
Variant type: single nucleotide variant.
Coding change: c.1819C>T on transcript NM_005629.4 (MANE Select); coding-DNA position 1819, C replaced by T.
Protein change: p.Arg607Ter; replaces arginine 607 with a stop codon.
Molecular consequence: nonsense.
Genome position (GRCh38, 1-based): chrX:153,695,125, C>T. VCF-style: chrX-153695125-C-T. GRCh37 (hg19) VCF-style: chrX-152960580-C-T.
Other names: c.1789C>T, p.Arg597Ter (NM_001142805.2); c.1474C>T, p.Arg492Ter (NM_001142806.1); short protein forms R492*, R607*, R597*.
Identifiers: ClinVar variation 851994 (VCV000851994.10), dbSNP rs1377233837, ClinGen allele CA415091158.
Genomic context (GRCh38, chrX:153,695,125, plus strand): 5'-CTCCTGCAGCGCTGGCAGCACCTGACCCAGCCCATCTGGGGCCTCCACCACTTGGAGTAC[C>T]GAGCTCAGGACGCAGATGTCAGGGGCCTGACCACCCTGACCCCAGTGTCCGAGAGCAGCA-3'

ClinVar aggregate classification (germline): Uncertain significance. Review status: criteria provided, multiple submitters, no conflicts (2 of 4 stars). 2 submissions from 2 submitters: Uncertain significance (2). Last evaluated 2026-02-10.

Conditions:
Creatine transporter deficiency (CCDS1). Also called: CREATINE TRANSPORTER DEFECT; CEREBRAL CREATINE DEFICIENCY SYNDROME 1; Creatine Transporter (CRTR) Deficiency; Mental retardation , X-linked with seizures, short stature and midface hypoplasia; Mental retardation , X-linked, with creatine transport deficiency; X-linked creatine transporter deficiency. Identifiers: Orphanet 52503, MedGen C1845862, MONDO:0010305, OMIM 300352.

Submissions (2):

GeneDx
Classification: Uncertain significance. Last evaluated: 2026-02-10. Review status: criteria provided, single submitter. Criteria: GeneDx Variant Classification Process June 2021. Collection method: clinical testing. Allele origin: germline. Affected: yes.
Comment: Not observed at significant frequency in large population cohorts (gnomAD); Nonsense variant predicted to result in protein truncation as the last 29 amino acids are lost; Has not been previously published as pathogenic or benign to our knowledge

Labcorp Genetics (formerly Invitae), Labcorp
Classification: Uncertain significance for Creatine transporter deficiency. Last evaluated: 2019-05-28. Review status: criteria provided, single submitter. Criteria: Invitae Variant Classification Sherloc (09022015). Collection method: clinical testing. Allele origin: germline.
Comment: In summary, the available evidence is currently insufficient to determine the role of this variant in disease. Therefore, it has been classified as a Variant of Uncertain Significance. This variant has not been reported in the literature in individuals with SLC6A8-related conditions. This variant is not present in population databases (ExAC no frequency). This sequence change results in a premature translational stop signal in the SLC6A8 gene (p.Arg607*). While this is not anticipated to result in nonsense mediated decay, it is expected to disrupt the last 29 amino acids of the SLC6A8 protein.